The following is an entry in ClinVar:

NM_031448.6(C19orf12):c.302G>A (p.Trp101Ter)

Gene: C19orf12 (chromosome 19 open reading frame 12; minus strand). Cytogenetic location: 19q12.
Variant type: single nucleotide variant.
Coding change: c.302G>A on transcript NM_031448.6 (MANE Select); coding-DNA position 302, G replaced by A.
Protein change: p.Trp101Ter; replaces tryptophan 101 with a stop codon.
Molecular consequence: nonsense. On other transcripts: intron variant (1).
Genome position (GRCh38, 1-based): chr19:29,702,836, C>T on the plus strand (G>A on the coding strand, the complement: C19orf12 is on the minus strand). VCF-style: chr19-29702836-C-T. GRCh37 (hg19) VCF-style: chr19-30193743-C-T.
Other names: c.302G>A, p.Trp101Ter (NM_001031726.4, NM_001256047.2); c.110G>A, p.Trp37Ter (NM_001282929.1, NM_001282930.3, NM_001282931.3); c.290+12G>A (NM_001256046.3); short protein forms W101*, W37*.
Identifiers: ClinVar variation 3376956 (VCV003376956.1).

ClinVar aggregate classification (germline): Pathogenic (1 of 4 stars; one submission).

Conditions:
Neurodegeneration with brain iron accumulation 4 (NBIA4). Also called: MITOCHONDRIAL PROTEIN-ASSOCIATED NEURODEGENERATION. Identifiers: Orphanet 289560, MedGen C3280371, MONDO:0013674, OMIM 614298. Disease mechanism: loss of function.

Submission:

Victorian Clinical Genetics Services, Murdoch Childrens Research Institute
Classification: Pathogenic for Neurodegeneration with brain iron accumulation 4. Last evaluated: 2021-05-06. Review status: criteria provided, single submitter. Criteria: ACMG Guidelines, 2015. Collection method: clinical testing. Allele origin: germline. Affected: yes.
Comment: Based on the classification scheme VCGS_Germline_v1.3.4, this variant is classified as Pathogenic. Following criteria are met: 0102 - Loss of function is a known mechanism of disease in this gene and is associated with neurodegeneration with brain iron accumulation 4 (MIM#614298). A dominant negative mechanism has been suggested to cause autosomal dominant disease (PMID: 31087512). (I) 0108 - This gene is associated with both recessive and dominant disease. Missense and NMD-predicted variants are associated with recessive disease, while truncating variants have been reported in dominant disease (PMID: 31087512). (I) 0205 - Variant is predicted to result in a truncated protein (premature termination codon is NOT located at least 54 nucleotides upstream of the final exon-exon junction) with less than 1/3 of the protein sequence affected. (SP) 0251 - This variant is heterozygous. (I) 0301 - Variant is absent from gnomAD (both v2 and v3). (SP) 0604 - Variant is not located in an established domain, motif, hotspot or informative constraint region. (I) 0702 - Other protein-truncating variants comparable to the one identified in this case have strong previous evidence for pathogenicity. Truncating variants have been reported in multiple individuals with autosomal dominant neurodegeneration with brain iron accumulation (ClinVar, PMID: 31087512). (SP) 0802 - This variant has moderate previous evidence of pathogenicity in unrelated individuals. This variant has been reported in two families with neurodegeneration with brain iron accumulation (PMID: 31087512, 33134513). (SP) 0901 - This variant has strong evidence for segregation with disease. In the two families in which this variant has been reported previously, this variant segregated with disease in all eight affected individuals (PMID: 31087512, 33134513). (SP) 1007 - No published functional evidence has been identified for this variant. (I) 1208 - Inheritance information for this variant is not currently available in this individual. (I) Legend: (SP) - Supporting pathogenic, (I) - Information, (SB) - Supporting benign

Literature cited by the submitters: PubMed 31087512; PubMed 33134513.